The following is an entry in ClinVar:

NM_001367624.2(ZNF469):c.4846G>A (p.Val1616Met)

Gene: ZNF469 (zinc finger protein 469; plus strand). Cytogenetic location: 16q24.2.
Variant type: single nucleotide variant.
Coding change: c.4846G>A on transcript NM_001367624.2 (MANE Select); coding-DNA position 4846, G replaced by A.
Protein change: p.Val1616Met; replaces valine 1616 with methionine.
Molecular consequence: missense variant.
Genome position (GRCh38, 1-based): chr16:88,432,316, G>A. VCF-style: chr16-88432316-G-A. GRCh37 (hg19) VCF-style: chr16-88498724-G-A.
Other names: NM_001127464.1:c.4762G>A; NM_001127464.2:c.4762G>A; short protein forms V1616M.
Identifiers: ClinVar variation 1213240 (VCV001213240.6), dbSNP rs865985076, ClinGen allele CA286376638.

ClinVar aggregate classification (germline): Conflicting classifications of pathogenicity. Review status: criteria provided, conflicting classifications (1 of 4 stars). 3 submissions from 3 submitters: Uncertain significance (2); Likely benign (1). Last evaluated 2025-05-16.

Conditions:
ZNF469-related disorder. Also called: ZNF469-related condition.
Cardiovascular phenotype. Identifiers: MedGen CN230736.

Allele frequency attached by ClinVar (database versions not stated): gnomAD 0.00003 and 0.00004; gnomAD exomes 0.00003; TOPMed 0.00007.
gnomAD v4.1: 81 of 1,547,486 alleles (0.0052%); highest among the groups gnomAD compares: African/African-American, 0.018%; no homozygotes.

Submissions (3):

PreventionGenetics, part of Exact Sciences
Classification: Uncertain significance for ZNF469-related condition. Last evaluated: 2025-05-16. Review status: criteria provided, single submitter. Criteria: ACMG Guidelines, 2015. Collection method: clinical testing. Allele origin: germline.
Comment: The ZNF469 c.4762G>A variant is predicted to result in the amino acid substitution p.Val1588Met. To our knowledge, this variant has not been reported in the literature. This variant is reported in 0.0093% of alleles in individuals of East Asian descent in gnomAD. At this time, the clinical significance of this variant is uncertain due to the absence of conclusive functional and genetic evidence.

Ambry Genetics
Classification: Likely benign for Cardiovascular phenotype. Last evaluated: 2024-04-17. Review status: criteria provided, single submitter. Criteria: Ambry Variant Classification Scheme 2023. Collection method: clinical testing. Allele origin: germline.

GeneDx
Classification: Uncertain significance. Last evaluated: 2023-02-07. Review status: criteria provided, single submitter. Criteria: GeneDx Variant Classification Process June 2021. Collection method: clinical testing. Allele origin: germline. Affected: yes.
Comment: Not observed at significant frequency in large population cohorts (gnomAD); In silico analysis supports that this missense variant does not alter protein structure/function; Has not been previously published as pathogenic or benign to our knowledge